The following is an entry in ClinVar:

ClinVar aggregate classification (germline): Uncertain significance (1 of 4 stars; one submission).

Allele frequency attached by ClinVar (database versions not stated): TOPMed 0.00001; gnomAD 0.00004; ExAC 0.00007.
gnomAD v4.1: 79 of 1,614,160 alleles (0.0049%); highest among the groups gnomAD compares: South Asian, 0.032%; no homozygotes.

Submission:

Labcorp Genetics (formerly Invitae), Labcorp
Classification: Uncertain significance. Last evaluated: 2022-08-22. Review status: criteria provided, single submitter. Criteria: Invitae Variant Classification Sherloc (09022015). Collection method: clinical testing. Allele origin: germline.
Comment: This sequence change replaces arginine, which is basic and polar, with cysteine, which is neutral and slightly polar, at codon 339 of the SERPINH1 protein (p.Arg339Cys). In summary, the available evidence is currently insufficient to determine the role of this variant in disease. Therefore, it has been classified as a Variant of Uncertain Significance. Algorithms developed to predict the effect of missense changes on protein structure and function (SIFT, PolyPhen-2, Align-GVGD) all suggest that this variant is likely to be disruptive. This variant has not been reported in the literature in individuals affected with SERPINH1-related conditions. This variant is present in population databases (rs760125834, gnomAD 0.03%).

NM_001235.5(SERPINH1):c.1015C>T (p.Arg339Cys)

Gene: SERPINH1 (serpin family H member 1; plus strand). Cytogenetic location: 11q13.5.
Variant type: single nucleotide variant.
Coding change: c.1015C>T on transcript NM_001235.5 (MANE Select); coding-DNA position 1015, C replaced by T.
Protein change: p.Arg339Cys; replaces arginine 339 with cysteine.
Molecular consequence: missense variant.
Genome position (GRCh38, 1-based): chr11:75,571,841, C>T. VCF-style: chr11-75571841-C-T. GRCh37 (hg19) VCF-style: chr11-75282886-C-T.
Other names: c.1015C>T, p.Arg339Cys (NM_001207014.3); short protein forms R339C.
Identifiers: ClinVar variation 1904631 (VCV001904631.5), dbSNP rs760125834, ClinGen allele CA6190996.
Genomic context (GRCh38, chr11:75,571,841, plus strand): 5'-AAACACCTGGCTGGGCTGGGCCTGACTGAGGCCATTGACAAGAACAAGGCCGACTTGTCA[C>T]GCATGTCAGGCAAGAAGGACCTGTACCTGGCCAGCGTGTTCCACGCCACCGCCTTTGAGT-3'
Protein context (NP_001226.2, residues 329-349): AIDKNKADLS[Arg339Cys]MSGKKDLYLA